The following is an entry in ClinVar:

ClinVar aggregate classification (germline): Likely benign. Review status: criteria provided, single submitter (1 of 4 stars). 2 submissions from 2 submitters: Likely benign (1). 1 of the submissions does not count toward it. Last evaluated 2025-04-02.

Conditions:
TH-related disorder. Also called: TH-related condition.
TH-deficient dopa-responsive dystonia. Also called: DYT-TH; Tyrosine Hydroxylase-Deficient Dopa-Responsive Dystonia; Segawa syndrome, autosomal recessive. Identifiers: Orphanet 101150, MedGen C2673535, MONDO:0011551, OMIM 605407.

Allele frequency attached by ClinVar (database versions not stated): gnomAD exomes 0.00001; ExAC 0.00002; TOPMed below 0.00001; gnomAD 0.00001.

Submissions (2):

Labcorp Genetics (formerly Invitae), Labcorp
Classification: Likely benign for TH-deficient dopa-responsive dystonia. Last evaluated: 2025-04-02. Review status: criteria provided, single submitter. Criteria: Invitae Variant Classification Sherloc (09022015). Collection method: clinical testing. Allele origin: germline.

PreventionGenetics, part of Exact Sciences
Classification: Likely benign for TH-related condition. Last evaluated: 2019-10-28. Review status: no assertion criteria provided. Collection method: clinical testing. Allele origin: germline. Not counted in ClinVar's aggregate classification.
Comment: This variant is classified as likely benign based on ACMG/AMP sequence variant interpretation guidelines (Richards et al. 2015 PMID: 25741868, with internal and published modifications).

NM_000360.4(TH):c.285G>A (p.Ala95=)

Gene: TH (tyrosine hydroxylase; minus strand). Cytogenetic location: 11p15.5.
Variant type: single nucleotide variant.
Coding change: c.285G>A on transcript NM_000360.4 (MANE Select); coding-DNA position 285, G replaced by A.
Protein change: p.Ala95=; no amino-acid change (alanine 95 retained).
Molecular consequence: synonymous variant.
Genome position (GRCh38, 1-based): chr11:2,169,677, C>T on the plus strand (G>A on the coding strand, the complement: TH is on the minus strand). VCF-style: chr11-2169677-C-T. GRCh37 (hg19) VCF-style: chr11-2190907-C-T.
Other names: c.378G>A (NM_199292.2); c.378G>A, p.Ala126= (NM_199292.3); c.366G>A, p.Ala122= (NM_199293.3).
Identifiers: ClinVar variation 1098938 (VCV001098938.11), dbSNP rs749856378, ClinGen allele CA5818737.